The following is an entry in ClinVar:

NM_001042492.3(NF1):c.3745T>A (p.Ser1249Thr)

Gene: NF1 (neurofibromin 1; plus strand). Cytogenetic location: 17q11.2.
Variant type: single nucleotide variant.
Coding change: c.3745T>A on transcript NM_001042492.3 (MANE Select); coding-DNA position 3745, T replaced by A.
Protein change: p.Ser1249Thr; replaces serine 1249 with threonine.
Molecular consequence: missense variant.
Genome position (GRCh38, 1-based): chr17:31,235,647, T>A. VCF-style: chr17-31235647-T-A. GRCh37 (hg19) VCF-style: chr17-29562665-T-A.
Other names: c.3745T>A, p.Ser1249Thr (NM_000267.4); short protein forms S1249T.
Identifiers: ClinVar variation 3404938 (VCV003404938.1).
Genomic context (GRCh38, chr17:31,235,647, plus strand): 5'-AACCTGATTTTGTTTTGTTCTCAGGATGAACTAGCTCGAGTTCTGGTTACTCTGTTTGAT[T>A]CTCGGCATTTACTCTACCAACTGCTCTGGAACATGTTTTCTAAAGAAGTAGAATTGGCAG-3'
Protein context (NP_001035957.1, residues 1239-1259): LARVLVTLFD[Ser1249Thr]RHLLYQLLWN

ClinVar aggregate classification (germline): Uncertain significance (1 of 4 stars; one submission).

Conditions:
Hereditary cancer-predisposing syndrome. Also called: Hereditary Cancer Syndrome; Tumor predisposition; Hereditary neoplastic syndrome; Neoplastic Syndromes, Hereditary. Identifiers: Orphanet 140162, MedGen C0027672, MeSH D009386, MONDO:0015356.
Cardiovascular phenotype. Identifiers: MedGen CN230736.

Submission:

Ambry Genetics
Classification: Uncertain significance for Cardiovascular phenotype; Hereditary cancer-predisposing syndrome. Last evaluated: 2024-11-25. Review status: criteria provided, single submitter. Criteria: Ambry Variant Classification Scheme 2023. Collection method: clinical testing. Allele origin: germline.
Comment: The p.S1249T variant (also known as c.3745T>A), located in coding exon 28 of the NF1 gene, results from a T to A substitution at nucleotide position 3745. The serine at codon 1249 is replaced by threonine, an amino acid with similar properties. This amino acid position is conserved. In addition, the in silico prediction for this alteration is inconclusive. Based on the available evidence, the clinical significance of this variant remains unclear.